The following is an entry in ClinVar:

ClinVar aggregate classification (germline): Uncertain significance (1 of 4 stars; one submission).

gnomAD v4.1: 9 of 1,614,012 alleles (0.00056%); highest among the groups gnomAD compares: East Asian, 0.0089%; no homozygotes.

Submission:

Labcorp Genetics (formerly Invitae), Labcorp
Classification: Uncertain significance. Last evaluated: 2022-07-05. Review status: criteria provided, single submitter. Criteria: Invitae Variant Classification Sherloc (09022015). Collection method: clinical testing. Allele origin: germline.
Comment: In summary, the available evidence is currently insufficient to determine the role of this variant in disease. Therefore, it has been classified as a Variant of Uncertain Significance. Algorithms developed to predict the effect of missense changes on protein structure and function are either unavailable or do not agree on the potential impact of this missense change (SIFT: "Not Available"; PolyPhen-2: "Probably Damaging"; Align-GVGD: "Not Available"). ClinVar contains an entry for this variant (Variation ID: 957730). This variant has not been reported in the literature in individuals affected with ADAMTS18-related conditions. This variant is present in population databases (no rsID available, gnomAD 0.006%). This sequence change replaces arginine, which is basic and polar, with histidine, which is basic and polar, at codon 823 of the ADAMTS18 protein (p.Arg823His).

NM_199355.4(ADAMTS18):c.2468G>A (p.Arg823His)

Gene: ADAMTS18 (ADAM metallopeptidase with thrombospondin type 1 motif 18; minus strand). Cytogenetic location: 16q23.1.
Variant type: single nucleotide variant.
Coding change: c.2468G>A on transcript NM_199355.4 (MANE Select); coding-DNA position 2468, G replaced by A.
Protein change: p.Arg823His; replaces arginine 823 with histidine.
Molecular consequence: missense variant.
Genome position (GRCh38, 1-based): chr16:77,319,913, C>T on the plus strand (G>A on the coding strand, the complement: ADAMTS18 is on the minus strand). VCF-style: chr16-77319913-C-T. GRCh37 (hg19) VCF-style: chr16-77353810-C-T.
Other names: c.1952G>A, p.Arg651His (NM_001326358.2); short protein forms R823H, R651H.
Identifiers: ClinVar variation 957730 (VCV000957730.9), dbSNP rs189744529, ClinGen allele CA396827371.